The following is an entry in ClinVar:

NM_006939.4(SOS2):c.806A>G (p.Asp269Gly)

Gene: SOS2 (SOS Ras/Rho guanine nucleotide exchange factor 2; minus strand). Cytogenetic location: 14q21.3.
Variant type: single nucleotide variant.
Coding change: c.806A>G on transcript NM_006939.4 (MANE Select); coding-DNA position 806, A replaced by G.
Protein change: p.Asp269Gly; replaces aspartic acid 269 with glycine.
Molecular consequence: missense variant.
Genome position (GRCh38, 1-based): chr14:50,182,515, T>C on the plus strand (A>G on the coding strand, the complement: SOS2 is on the minus strand). VCF-style: chr14-50182515-T-C. GRCh37 (hg19) VCF-style: chr14-50649233-T-C.
Other names: c.806A>G, p.Asp269Gly (NM_001411020.1); short protein forms D269G.
Identifiers: ClinVar variation 2717397 (VCV002717397.3), dbSNP rs1885777114, ClinGen allele CA389647705.

ClinVar aggregate classification (germline): Uncertain significance (1 of 4 stars; one submission).

Conditions:
Noonan syndrome 9 (NS9). Identifiers: Orphanet 648, MedGen C4225282, MONDO:0014691, OMIM 616559.

Allele frequency attached by ClinVar (database versions not stated): gnomAD exomes below 0.00001; TOPMed 0.00001.
gnomAD v4.1: 3 of 1,613,184 alleles (0.00019%); highest among the groups gnomAD compares: South Asian, 0.0011%; no homozygotes.

Submission:

Labcorp Genetics (formerly Invitae), Labcorp
Classification: Uncertain significance for Noonan syndrome 9. Last evaluated: 2025-12-02. Review status: criteria provided, single submitter. Criteria: Invitae Variant Classification Sherloc (09022015). Collection method: clinical testing. Allele origin: germline.
Comment: This sequence change replaces aspartic acid, which is acidic and polar, with glycine, which is neutral and non-polar, at codon 269 of the SOS2 protein (p.Asp269Gly). This variant is not present in population databases (gnomAD no frequency). This variant has not been reported in the literature in individuals affected with SOS2-related conditions. ClinVar contains an entry for this variant (Variation ID: 2717397). Invitae Evidence Modeling of protein sequence and biophysical properties (such as structural, functional, and spatial information, amino acid conservation, physicochemical variation, residue mobility, and thermodynamic stability) indicates that this missense variant is not expected to disrupt SOS2 protein function with a negative predictive value of 95%. In summary, the available evidence is currently insufficient to determine the role of this variant in disease. Therefore, it has been classified as a Variant of Uncertain Significance.